The following is an entry in ClinVar:

ClinVar aggregate classification (germline): Likely pathogenic (1 of 4 stars; one submission).

Conditions:
Congenital contractural arachnodactyly (CCA). Also called: BEALS SYNDROME; Beals-Hecht syndrome; Arthrogryposis, distal, type 9. Identifiers: Orphanet 115, MedGen C0220668, MONDO:0007363, OMIM 121050.

Submission:

Laboratory of Medical Genetics, National & Kapodistrian University of Athens
Classification: Likely pathogenic for Congenital contractural arachnodactyly. Last evaluated: 2022-05-03. Review status: criteria provided, single submitter. Criteria: ACMG Guidelines, 2015. Collection method: clinical testing. Allele origin: germline. Affected: yes.
Comment: PM2, PP1, PP3

NM_001999.4(FBN2):c.3778T>C (p.Ser1260Pro)

Gene: FBN2 (fibrillin 2; minus strand). Cytogenetic location: 5q23.3.
Variant type: single nucleotide variant.
Coding change: c.3778T>C on transcript NM_001999.4 (MANE Select); coding-DNA position 3778, T replaced by C.
Protein change: p.Ser1260Pro; replaces serine 1260 with proline.
Molecular consequence: missense variant.
Genome position (GRCh38, 1-based): chr5:128,335,524, A>G on the plus strand (T>C on the coding strand, the complement: FBN2 is on the minus strand). VCF-style: chr5-128335524-A-G. GRCh37 (hg19) VCF-style: chr5-127671216-A-G.
Other names: short protein forms S1260P.
Identifiers: ClinVar variation 1708150 (VCV001708150.1), dbSNP rs2479801847, ClinGen allele CA360758046.
Genomic context (GRCh38, chr5:128,335,524, plus strand): 5'-ATCTCCCATCTGGCATCAGGGCATAACCCTCACTGCAGCTGCATTCGTAGCTTCCCTCTG[A>G]ATTTGTGCACTGGGTGTCACAGCCTCCGTTCATTATCATACATTCATCAATATCTGTGAA-3'
Protein context (NP_001990.2, residues 1250-1270): NGGCDTQCTN[Ser1260Pro]EGSYECSCSE